The following is an entry in ClinVar:

NM_032119.4(ADGRV1):c.12829C>T (p.Arg4277Ter)

Gene: ADGRV1 (adhesion G protein-coupled receptor V1; plus strand). Cytogenetic location: 5q14.3.
Variant type: single nucleotide variant.
Coding change: c.12829C>T on transcript NM_032119.4 (MANE Select); coding-DNA position 12829, C replaced by T.
Protein change: p.Arg4277Ter; replaces arginine 4277 with a stop codon.
Molecular consequence: nonsense. On other transcripts: non-coding transcript variant (1).
Genome position (GRCh38, 1-based): chr5:90,778,589, C>T. VCF-style: chr5-90778589-C-T. GRCh37 (hg19) VCF-style: chr5-90074406-C-T.
Other names: short protein forms R4277*.
Identifiers: ClinVar variation 1185591 (VCV001185591.7), dbSNP rs1758506826, ClinGen allele CA360388605.

ClinVar aggregate classification (germline): Pathogenic. Review status: criteria provided, multiple submitters, no conflicts (2 of 4 stars). 4 submissions from 4 submitters: Pathogenic (4). Last evaluated 2025-01-10.

Conditions:
Usher syndrome type 2C. Also called: Usher syndrome, type 2B; USHER SYNDROME, TYPE IIC. Identifiers: Orphanet 231178, Orphanet 886, MedGen C2931213, MONDO:0011558, OMIM 605472.

Allele frequency attached by ClinVar (database versions not stated): gnomAD 0.00001.
gnomAD v4.1: 4 of 1,598,778 alleles (0.00025%); highest among the groups gnomAD compares: Non-Finnish European, 0.00034%; no homozygotes.

Submissions (4):

GeneDx
Classification: Pathogenic. Last evaluated: 2025-01-10. Review status: criteria provided, single submitter. Criteria: GeneDx Variant Classification Process June 2021. Collection method: clinical testing. Allele origin: germline. Affected: yes.
Comment: Nonsense variant predicted to result in protein truncation or nonsense mediated decay in a gene for which loss of function is a known mechanism of disease; Not observed at significant frequency in large population cohorts (gnomAD); This variant is associated with the following publications: (PMID: 34997062)

Labcorp Genetics (formerly Invitae), Labcorp
Classification: Pathogenic. Last evaluated: 2024-06-11. Review status: criteria provided, single submitter. Criteria: Invitae Variant Classification Sherloc (09022015). Collection method: clinical testing. Allele origin: germline.
Comment: This sequence change creates a premature translational stop signal (p.Arg4277*) in the ADGRV1 gene. It is expected to result in an absent or disrupted protein product. Loss-of-function variants in ADGRV1 are known to be pathogenic (PMID: 19357117, 22135276, 22147658, 26226137, 30718709, 31047384, 32467589). This variant is not present in population databases (gnomAD no frequency). This premature translational stop signal has been observed in individual(s) with deafness (PMID: 34997062). ClinVar contains an entry for this variant (Variation ID: 1185591). For these reasons, this variant has been classified as Pathogenic.

INGEBI, INGEBI / CONICET
Classification: Pathogenic for Usher syndrome type 2C. Last evaluated: 2021-07-15. Review status: criteria provided, single submitter. Criteria: ClinGen HL ACMG Specifications v1. Collection method: clinical testing. Allele origin: germline. Inheritance: Autosomal recessive inheritance. Affected: yes. Observed: 1 variant allele, 1 compound heterozygote.
Comment: Based on ACMG/AMP guidelines and Hearing Loss Expert Panel specific criteria: The c.12829 C>T (p.4277*) in ADGRV1 gene is predicted to cause a premature stop codon in biologically-relevant-exon 63/90 that leads to a truncated or absent protein in a gene in which loss-of-function is an established mechanism, NMD is predcited to occur, (PVS1). The variant is asbent from population databases meeting PM2. Taking all the information together together :PVS1, PM2, PM3, PP1_Sup, PP4,c.12829 C>T A is classified as Pathogenic for Usher Syndrome.

Clinical Genetics Service, Universitary Hospital 12 de Octubre
Classification: Pathogenic for Usher syndrome type 2C. Review status: criteria provided, single submitter. Criteria: ACMG Guidelines, 2015. Collection method: clinical testing. Allele origin: germline. Affected: yes.

Literature cited by the submitters: PubMed 19357117 (cited by Labcorp Genetics (formerly Invitae), Labcorp); PubMed 22135276 (cited by Labcorp Genetics (formerly Invitae), Labcorp); PubMed 22147658 (cited by Labcorp Genetics (formerly Invitae), Labcorp); PubMed 26226137 (cited by Labcorp Genetics (formerly Invitae), Labcorp); PubMed 30718709 (cited by Labcorp Genetics (formerly Invitae), Labcorp); PubMed 31047384 (cited by Labcorp Genetics (formerly Invitae), Labcorp); PubMed 32467589 (cited by Labcorp Genetics (formerly Invitae), Labcorp); PubMed 34997062 (cited by Labcorp Genetics (formerly Invitae), Labcorp).